The following is an entry in ClinVar:

NM_020719.3(PRR12):c.2218G>T (p.Glu740Ter)

Gene: PRR12 (proline rich 12; plus strand). Cytogenetic location: 19q13.33.
Variant type: single nucleotide variant.
Coding change: c.2218G>T on transcript NM_020719.3 (MANE Select); coding-DNA position 2218, G replaced by T.
Protein change: p.Glu740Ter; replaces glutamic acid 740 with a stop codon.
Molecular consequence: nonsense.
Genome position (GRCh38, 1-based): chr19:49,596,553, G>T. VCF-style: chr19-49596553-G-T. GRCh37 (hg19) VCF-style: chr19-50099810-G-T.
Other names: short protein forms E740*.
Identifiers: ClinVar variation 2429082 (VCV002429082.4), dbSNP rs1337693743, ClinGen allele CA406871220.

ClinVar aggregate classification (germline): Likely pathogenic (1 of 4 stars; one submission).

Conditions:
Neuroocular syndrome. Identifiers: MedGen C5551362, MONDO:0859193.

Submission:

Greenwood Genetic Center Diagnostic Laboratories, Greenwood Genetic Center
Classification: Likely pathogenic for Neuroocular syndrome 1. Last evaluated: 2022-10-24. Review status: criteria provided, single submitter. Criteria: ACMG Guidelines, 2015. Collection method: clinical testing. Allele origin: germline. Affected: yes.
Comment: PVS1, PM2